The following is an entry in ClinVar:

NM_001374828.1(ARID1B):c.904G>A (p.Gly302Arg)

Genes: ARID1B (AT-rich interaction domain 1B; plus strand), LOC129997525 (ATAC-STARR-seq lymphoblastoid silent region 17712; plus strand). Cytogenetic location: 6q25.3.
Variant type: single nucleotide variant.
Coding change: c.904G>A on transcript NM_001374828.1 (MANE Select); coding-DNA position 904, G replaced by A.
Protein change: p.Gly302Arg; replaces glycine 302 with arginine.
Molecular consequence: missense variant.
Genome position (GRCh38, 1-based): chr6:156,778,584, G>A. VCF-style: chr6-156778584-G-A. GRCh37 (hg19) VCF-style: chr6-157099718-G-A.
Other names: c.655G>A, p.Gly219Arg (NM_001346813.1, NM_020732.3); c.904G>A, p.Gly302Arg (NM_001371656.1, NM_001374820.1, NM_017519.3); c.481G>A, p.Gly161Arg (NM_175863.2); short protein forms G302R, G161R, G219R.
Identifiers: ClinVar variation 1754191 (VCV001754191.6), dbSNP rs926321291, ClinGen allele CA150802744.

ClinVar aggregate classification (germline): Uncertain significance. Review status: criteria provided, multiple submitters, no conflicts (2 of 4 stars). 3 submissions from 3 submitters: Uncertain significance (3). Last evaluated 2023-06-16.

Conditions:
Inborn genetic diseases. Identifiers: MedGen C0950123, MeSH D030342.

Allele frequency attached by ClinVar (database versions not stated): gnomAD 0.00001; TOPMed 0.00001.

Submissions (3):

GeneDx
Classification: Uncertain significance. Last evaluated: 2023-06-16. Review status: criteria provided, single submitter. Criteria: GeneDx Variant Classification Process June 2021. Collection method: clinical testing. Allele origin: germline. Affected: yes.
Comment: Not observed at significant frequency in large population cohorts (gnomAD); In silico analysis supports that this missense variant does not alter protein structure/function; Has not been previously published as pathogenic or benign to our knowledge

Labcorp Genetics (formerly Invitae), Labcorp
Classification: Uncertain significance. Last evaluated: 2023-04-21. Review status: criteria provided, single submitter. Criteria: Invitae Variant Classification Sherloc (09022015). Collection method: clinical testing. Allele origin: germline.
Comment: The frequency data for this variant in the population databases is considered unreliable, as metrics indicate insufficient coverage at this position in the gnomAD database. In summary, the available evidence is currently insufficient to determine the role of this variant in disease. Therefore, it has been classified as a Variant of Uncertain Significance. Experimental studies and prediction algorithms are not available or were not evaluated, and the functional significance of this variant is currently unknown. ClinVar contains an entry for this variant (Variation ID: 1754191). This variant has not been reported in the literature in individuals affected with ARID1B-related conditions. This sequence change replaces glycine, which is neutral and non-polar, with arginine, which is basic and polar, at codon 219 of the ARID1B protein (p.Gly219Arg).

Ambry Genetics
Classification: Uncertain significance for Inborn genetic diseases. Last evaluated: 2020-03-27. Review status: criteria provided, single submitter. Criteria: Ambry Variant Classification Scheme 2023. Collection method: clinical testing. Allele origin: germline.
Comment: The p.G219R variant (also known as c.655G>A), located in coding exon 1 of the ARID1B gene, results from a G to A substitution at nucleotide position 655. The glycine at codon 219 is replaced by arginine, an amino acid with dissimilar properties. This amino acid position is highly conserved in available vertebrate species. In addition, this alteration is predicted to be tolerated by in silico analysis. Since supporting evidence is limited at this time, the clinical significance of this alteration remains unclear.